The following is an entry in ClinVar:

NM_017739.4(POMGNT1):c.1304_1305del (p.Glu435fs)

Genes: POMGNT1 (protein O-linked mannose N-acetylglucosaminyltransferase 1 (beta 1,2-); minus strand), TSPAN1 (tetraspanin 1; plus strand). Cytogenetic location: 1p34.1.
Variant type: Deletion.
Coding change: c.1304_1305del on transcript NM_017739.4 (MANE Select); coding-DNA positions 1304 to 1305, 2 bases deleted (AG; older notation c.1304_1305delAG).
Protein change: p.Glu435fs; shifts the reading frame from glutamic acid 435.
Molecular consequence: frameshift variant.
Genome position (GRCh38, 1-based): chr1:46,192,416-46,192,417, CT deleted on the plus strand (AG on the coding strand, the reverse complement: POMGNT1 is on the minus strand); deleting any 2 consecutive bases within chr1:46,192,416-46,192,418 gives the same sequence; the c. name uses the placement nearest the transcript's 3' end. VCF-style (leftmost placement, unchanged base first): chr1-46192415-CCT-C. GRCh37 (hg19) VCF-style: chr1-46658087-CCT-C.
Other names: c.1304_1305del, p.Glu435fs (NM_001243766.2, NM_001410783.1); c.1237_1238delGA, p.Glu413Glyfs (NM_001290129.3); c.875_876del, p.Glu292fs (NM_001290130.2); short protein forms E292fs, E413fs, E435fs.
Identifiers: ClinVar variation 1725260 (VCV001725260.2), dbSNP rs2525388972, ClinGen allele CA2580062934.

ClinVar aggregate classification (germline): Likely pathogenic (1 of 4 stars; one submission).

Conditions:
Muscular dystrophy-dystroglycanopathy (congenital with brain and eye anomalies), type A3. Also called: Muscular dystrophy-dystroglycanopathy (congenital with brain and eye anomalies), type A, 3; Congenital muscular dystrophy-dystroglycanopathy with brain and eye anomalies, type A3; WALKER-WARBURG SYNDROME OR MUSCLE-EYE-BRAIN DISEASE, POMGNT1-RELATED. Identifiers: MedGen C3151519, MONDO:0009667, OMIM 253280.

Submission:

Myriad Genetics, Inc.
Classification: Likely pathogenic for Muscular dystrophy-dystroglycanopathy (congenital with brain and eye anomalies), type A3. Last evaluated: 2022-03-15. Review status: criteria provided, single submitter. Criteria: Myriad Women's Health Autosomal Recessive and X-Linked Classification Criteria (2021). Collection method: clinical testing. Allele origin: unknown.
Comment: NM_017739.3(POMGNT1):c.1304_1305delAG(E435Gfs*28) is expected to be pathogenic in the context of POMGNT-related disorders. This variant is predicted to lead to an abnormal or absent protein product due to the creation of a premature termination codon in POMGNT1, a gene where loss-of-function variants are known to be pathogenic. Please note: this variant was assessed in the context of healthy population screening.